The following is an entry in ClinVar:

ClinVar aggregate classification (germline): Uncertain significance (1 of 4 stars; one submission).

Conditions:
Hereditary spastic paraplegia 73. Also called: Spastic paraplegia 73, autosomal dominant. Identifiers: Orphanet 444099, MedGen C5568981, MONDO:0014568, OMIM 616282.

Allele frequency attached by ClinVar (database versions not stated): gnomAD 0.00001; gnomAD exomes 0.00002; TOPMed 0.00002; ExAC 0.00003.
gnomAD v4.1: 26 of 1,613,792 alleles (0.0016%); highest among the groups gnomAD compares: Admixed American, 0.02%; no homozygotes.

Submission:

Labcorp Genetics (formerly Invitae), Labcorp
Classification: Uncertain significance for Hereditary spastic paraplegia 73. Last evaluated: 2023-04-13. Review status: criteria provided, single submitter. Criteria: Invitae Variant Classification Sherloc (09022015). Collection method: clinical testing. Allele origin: germline.
Comment: This sequence change replaces arginine, which is basic and polar, with cysteine, which is neutral and slightly polar, at codon 778 of the CPT1C protein (p.Arg778Cys). This variant is present in population databases (rs376907872, gnomAD 0.03%). In summary, the available evidence is currently insufficient to determine the role of this variant in disease. Therefore, it has been classified as a Variant of Uncertain Significance. Algorithms developed to predict the effect of missense changes on protein structure and function output the following: SIFT: "Not Available"; PolyPhen-2: "Benign"; Align-GVGD: "Not Available". The cysteine amino acid residue is found in multiple mammalian species, which suggests that this missense change does not adversely affect protein function. This variant has not been reported in the literature in individuals affected with CPT1C-related conditions.

NM_001199753.2(CPT1C):c.2365C>T (p.Arg789Cys)

Gene: CPT1C (carnitine palmitoyltransferase 1C; plus strand). Cytogenetic location: 19q13.33.
Variant type: single nucleotide variant.
Coding change: c.2365C>T on transcript NM_001199753.2 (MANE Select); coding-DNA position 2365, C replaced by T.
Protein change: p.Arg789Cys; replaces arginine 789 with cysteine.
Molecular consequence: missense variant. On other transcripts: non-coding transcript variant (1).
Genome position (GRCh38, 1-based): chr19:49,713,558, C>T. VCF-style: chr19-49713558-C-T. GRCh37 (hg19) VCF-style: chr19-50216815-C-T.
Other names: c.2197C>T, p.Arg733Cys (NM_001378487.1); c.2230C>T, p.Arg744Cys (NM_001378488.1, NM_001378486.1); c.2365C>T, p.Arg789Cys (NM_152359.3, NM_001199752.3, NM_001378483.1 and 1 more transcripts); c.2332C>T, p.Arg778Cys (NM_001136052.3, NM_001378485.1); c.2431C>T, p.Arg811Cys (NM_001378482.1); short protein forms R744C, R811C, R733C, R778C, R789C.
Identifiers: ClinVar variation 3021850 (VCV003021850.3), dbSNP rs376907872, ClinGen allele CA9582507.
Genomic context (GRCh38, chr19:49,713,558, plus strand): 5'-AAGCGCCGGTTCAGAGGGTCAGGGAAGGAGAACTCCAGGCACAGGTGTGGATTTCTCTCC[C>T]GCCAGACTGGGGCCTCCAAGGCCTCAATGACATCCACCGACTTCTGACTCCTTCCAGCAG-3'
Protein context (NP_001186682.1, residues 779-799): NSRHRCGFLS[Arg789Cys]QTGASKASMT